The following is an entry in ClinVar:

ClinVar aggregate classification (germline): Uncertain significance (1 of 4 stars; one submission).

Conditions:
Cardiomyopathy (CMYO). Also called: Cardiomyopathies. Identifiers: Orphanet 167848, MedGen C0878544, MONDO:0004994, HP:0001638. Inheritance: Various modes of inheritance.

Submission:

Color Diagnostics, LLC DBA Color Health
Classification: Uncertain significance for Cardiomyopathy. Last evaluated: 2024-03-06. Review status: criteria provided, single submitter. Criteria: ACMG Guidelines, 2015. Collection method: clinical testing. Allele origin: germline.
Comment: This missense variant replaces proline with leucine at codon 4131 of the RYR2 protein. Computational prediction suggests that this variant may have deleterious impact on protein structure and function (internally defined REVEL score threshold >= 0.7, PMID: 27666373). To our knowledge, functional studies have not been reported for this variant. This variant has not been reported in individuals affected with cardiovascular disorders in the literature. This variant has not been identified in the general population by the Genome Aggregation Database (gnomAD). The available evidence is insufficient to determine the role of this variant in disease conclusively. Therefore, this variant is classified as a Variant of Uncertain Significance.

NM_001035.3(RYR2):c.12392C>T (p.Pro4131Leu)

Gene: RYR2 (ryanodine receptor 2; plus strand). Cytogenetic location: 1q43.
Variant type: single nucleotide variant.
Coding change: c.12392C>T on transcript NM_001035.3 (MANE Select); coding-DNA position 12392, C replaced by T.
Protein change: p.Pro4131Leu; replaces proline 4131 with leucine.
Molecular consequence: missense variant.
Genome position (GRCh38, 1-based): chr1:237,784,104, C>T. VCF-style: chr1-237784104-C-T. GRCh37 (hg19) VCF-style: chr1-237947404-C-T.
Other names: short protein forms P4131L.
Identifiers: ClinVar variation 1332273 (VCV001332273.3), dbSNP rs1695353131, ClinGen allele CA345413121.